The following is an entry in ClinVar:

NM_001365999.1(SZT2):c.8008C>A (p.Leu2670Met)

Gene: SZT2 (SZT2 subunit of KICSTOR complex; plus strand). Cytogenetic location: 1p34.2.
Variant type: single nucleotide variant.
Coding change: c.8008C>A on transcript NM_001365999.1 (MANE Select); coding-DNA position 8008, C replaced by A.
Protein change: p.Leu2670Met; replaces leucine 2670 with methionine.
Molecular consequence: missense variant.
Genome position (GRCh38, 1-based): chr1:43,442,475, C>A. VCF-style: chr1-43442475-C-A. GRCh37 (hg19) VCF-style: chr1-43908146-C-A.
Other names: c.7837C>A, p.Leu2613Met (NM_015284.4); short protein forms L2613M, L2670M.
Identifiers: ClinVar variation 2054528 (VCV002054528.4), dbSNP rs2545853440, ClinGen allele CA340037327.

ClinVar aggregate classification (germline): Uncertain significance (1 of 4 stars; one submission).

Submission:

Labcorp Genetics (formerly Invitae), Labcorp
Classification: Uncertain significance. Last evaluated: 2021-12-23. Review status: criteria provided, single submitter. Criteria: Invitae Variant Classification Sherloc (09022015). Collection method: clinical testing. Allele origin: germline.
Comment: This sequence change replaces leucine, which is neutral and non-polar, with methionine, which is neutral and non-polar, at codon 2613 of the SZT2 protein (p.Leu2613Met). This variant is not present in population databases (gnomAD no frequency). This variant has not been reported in the literature in individuals affected with SZT2-related conditions. Algorithms developed to predict the effect of missense changes on protein structure and function are either unavailable or do not agree on the potential impact of this missense change (SIFT: "Deleterious"; PolyPhen-2: "Probably Damaging"; Align-GVGD: "Class C0"). In summary, the available evidence is currently insufficient to determine the role of this variant in disease. Therefore, it has been classified as a Variant of Uncertain Significance.